The following is an entry in ClinVar:

NM_001004334.4(GPR179):c.1906G>C (p.Ala636Pro)

Gene: GPR179 (G protein-coupled receptor 179; minus strand). Cytogenetic location: 17q12.
Variant type: single nucleotide variant.
Coding change: c.1906G>C on transcript NM_001004334.4 (MANE Select); coding-DNA position 1906, G replaced by C.
Protein change: p.Ala636Pro; replaces alanine 636 with proline.
Molecular consequence: missense variant.
Genome position (GRCh38, 1-based): chr17:38,333,382, C>G on the plus strand (G>C on the coding strand, the complement: GPR179 is on the minus strand). VCF-style: chr17-38333382-C-G. GRCh37 (hg19) VCF-style: chr17-36489265-C-G.
Other names: short protein forms A636P.
Identifiers: ClinVar variation 1435148 (VCV001435148.8), dbSNP rs2144267166, ClinGen allele CA398885649.
Genomic context (GRCh38, chr17:38,333,382, plus strand): 5'-AGTGCTGCAGGTCCAGCTCGTCCTCACACACCTCATCCACCATCTCCTCCCGGGGAGGAG[C>G]CCCCAGCTTCCAGAACTGGCAGGGGTGCATAAGAGTGGGAAAAAGACTCGCCCTGGCTCC-3'
Protein context (NP_001004334.3, residues 626-646): IFIPKFWKLG[Ala636Pro]PPREEMVDEV

ClinVar aggregate classification (germline): Uncertain significance (1 of 4 stars; one submission).

Submission:

Labcorp Genetics (formerly Invitae), Labcorp
Classification: Uncertain significance. Last evaluated: 2023-05-22. Review status: criteria provided, single submitter. Criteria: Invitae Variant Classification Sherloc (09022015). Collection method: clinical testing. Allele origin: germline.
Comment: In summary, the available evidence is currently insufficient to determine the role of this variant in disease. Therefore, it has been classified as a Variant of Uncertain Significance. An algorithm developed to predict the effect of missense changes on protein structure and function (PolyPhen-2) suggests that this variant is likely to be disruptive. ClinVar contains an entry for this variant (Variation ID: 1435148). This variant has not been reported in the literature in individuals affected with GPR179-related conditions. This variant is not present in population databases (gnomAD no frequency). This sequence change replaces alanine, which is neutral and non-polar, with proline, which is neutral and non-polar, at codon 636 of the GPR179 protein (p.Ala636Pro).